The following is an entry in ClinVar:

NM_198947.4(FAM111B):c.48A>G (p.Glu16=)

Gene: FAM111B (FAM111 trypsin like peptidase B; plus strand). Cytogenetic location: 11q12.1.
Variant type: single nucleotide variant.
Coding change: c.48A>G on transcript NM_198947.4 (MANE Select); coding-DNA position 48, A replaced by G.
Protein change: p.Glu16=; no amino-acid change (glutamic acid 16 retained).
Molecular consequence: synonymous variant. On other transcripts: intron variant (2).
Genome position (GRCh38, 1-based): chr11:59,109,673, A>G. VCF-style: chr11-59109673-A-G. GRCh37 (hg19) VCF-style: chr11-58877146-A-G.
Other names: c.-10+961A>G (NM_001142703.2); c.-10+2377A>G (NM_001142704.2).
Identifiers: ClinVar variation 2641807 (VCV002641807.24), dbSNP rs2496012270, ClinGen allele CA474755733.
Genomic context (GRCh38, chr11:59,109,673, plus strand): 5'-CTTTGAACTCATCATGAATTCCATGAAGACTGAAGAAAACAAGTCATTTAGCGCTATGGA[A>G]GATGACCAGAGGACTAGACCTGAAGTTTCAAAGGTATATCTACTTTTTTACAACTCCTCA-3'
Protein context (NP_945185.1, residues 6-26): TEENKSFSAM[Glu16=]DDQRTRPEVS

ClinVar aggregate classification (germline): Likely benign (1 of 4 stars; one submission).

Submission:

CeGaT Center for Human Genetics Tuebingen
Classification: Likely benign. Last evaluated: 2023-02-01. Review status: criteria provided, single submitter. Criteria: CeGaT Center For Human Genetics Tuebingen Variant Classification Criteria Version 2. Collection method: clinical testing. Allele origin: germline. Affected: yes. Observed: 1 variant allele.
Comment: FAM111B: PM2:Supporting, BP4, BP7